The following is an entry in ClinVar:

ClinVar aggregate classification (germline): Uncertain significance (1 of 4 stars; one submission).

Conditions:
Werner syndrome (WRN). Identifiers: Orphanet 902, MedGen C0043119, MONDO:0010196, OMIM 277700.

Submission:

Labcorp Genetics (formerly Invitae), Labcorp
Classification: Uncertain significance for Werner syndrome. Last evaluated: 2018-11-02. Review status: criteria provided, single submitter. Criteria: Invitae Variant Classification Sherloc (09022015). Collection method: clinical testing. Allele origin: germline.
Comment: This variant has not been reported in the literature in individuals with WRN-related disease. While this variant is not present in population databases, the frequency information is unreliable, as metrics indicate poor data quality at this position in the ExAC database. This sequence change replaces tyrosine with asparagine at codon 224 of the WRN protein (p.Tyr224Asn). The tyrosine residue is highly conserved and there is a large physicochemical difference between tyrosine and asparagine. Algorithms developed to predict the effect of missense changes on protein structure and function do not agree on the potential impact of this missense change (SIFT: Deleterious; PolyPhen-2: Probably Damaging; Align-GVGD: Class C0). In summary, the available evidence is currently insufficient to determine the role of this variant in disease. Therefore, it has been classified as a Variant of Uncertain Significance.

NM_000553.6(WRN):c.670T>A (p.Tyr224Asn)

Gene: WRN (WRN RecQ like helicase; plus strand). Cytogenetic location: 8p12.
Variant type: single nucleotide variant.
Coding change: c.670T>A on transcript NM_000553.6 (MANE Select); coding-DNA position 670, T replaced by A.
Protein change: p.Tyr224Asn; replaces tyrosine 224 with asparagine.
Molecular consequence: missense variant.
Genome position (GRCh38, 1-based): chr8:31,068,273, T>A. VCF-style: chr8-31068273-T-A. GRCh37 (hg19) VCF-style: chr8-30925789-T-A.
Other names: short protein forms Y224N.
Identifiers: ClinVar variation 528183 (VCV000528183.5), dbSNP rs1554519439, ClinGen allele CA370916924.